The following is an entry in ClinVar:

ClinVar aggregate classification (germline): Uncertain significance. Review status: criteria provided, multiple submitters, no conflicts (2 of 4 stars). 3 submissions from 3 submitters: Uncertain significance (2). 1 of the submissions does not count toward it. Last evaluated 2024-02-20.

Conditions:
Ataxia-telangiectasia syndrome (AT). Also called: Cerebello-oculocutaneous telangiectasia; Immunodeficiency with ataxia telangiectasia; Ataxia-telangiectasia, complementation group E; Ataxia-telangiectasia, complementation group D; AT, COMPLEMENTATION GROUP C; ATAXIA-TELANGIECTASIA, COMPLEMENTATION GROUP A. Identifiers: Orphanet 100, MedGen C0004135, MONDO:0008840, OMIM 208900.
Familial cancer of breast. Also called: BREAST CANCER, FAMILIAL; Hereditary breast cancer; hereditary breast carcinoma. Identifiers: Orphanet 227535, MedGen C0346153, MONDO:0016419, OMIM 114480. Disease mechanism: loss of function.

Submissions (3):

Labcorp Genetics (formerly Invitae), Labcorp
Classification: Uncertain significance for Ataxia-telangiectasia syndrome. Last evaluated: 2024-02-20. Review status: criteria provided, single submitter. Criteria: Invitae Variant Classification Sherloc (09022015). Collection method: clinical testing. Allele origin: germline.
Comment: This sequence change creates a premature translational stop signal (p.Lys3053*) in the ATM gene. While this is not anticipated to result in nonsense mediated decay, it is expected to disrupt the last 4 amino acid(s) of the ATM protein. This variant is not present in population databases (gnomAD no frequency). This premature translational stop signal has been observed in individual(s) with lung adenocarcinoma (PMID: 32866655). ClinVar contains an entry for this variant (Variation ID: 556258). Algorithms developed to predict the effect of sequence changes on RNA splicing suggest that this variant may create or strengthen a splice site. This variant disrupts a region of the ATM protein in which other variant(s) (p.Ala3054Val) have been observed in individuals with ATM-related conditions (PMID: 31050087). This suggests that this is a clinically significant region of the protein, and that variants that disrupt it are likely to be disease-causing. In summary, the available evidence is currently insufficient to determine the role of this variant in disease. Therefore, it has been classified as a Variant of Uncertain Significance.

Baylor Genetics
Classification: Uncertain significance for Familial cancer of breast. Last evaluated: 2023-06-04. Review status: criteria provided, single submitter. Criteria: ACMG Guidelines, 2015. Collection method: clinical testing. Allele origin: unknown.

Counsyl
Classification: Uncertain significance for Ataxia-telangiectasia syndrome. Last evaluated: 2018-01-23. Review status: no assertion criteria provided. Collection method: clinical testing. Allele origin: unknown. Not counted in ClinVar's aggregate classification.

Literature cited by the submitters: PubMed 32866655 (cited by Labcorp Genetics (formerly Invitae), Labcorp); PubMed 31050087 (cited by Labcorp Genetics (formerly Invitae), Labcorp).

NM_000051.4(ATM):c.9157A>T (p.Lys3053Ter)

Genes: C11orf65 (chromosome 11 open reading frame 65; minus strand), ATM (ATM serine/threonine kinase; plus strand). Cytogenetic location: 11q22.3.
Variant type: single nucleotide variant.
Coding change: c.9157A>T on transcript NM_000051.4 (MANE Select); coding-DNA position 9157, A replaced by T.
Protein change: p.Lys3053Ter; replaces lysine 3053 with a stop codon.
Molecular consequence: nonsense. On other transcripts: intron variant (2).
Genome position (GRCh38, 1-based): chr11:108,365,494, A>T. VCF-style: chr11-108365494-A-T. GRCh37 (hg19) VCF-style: chr11-108236221-A-T.
Other names: c.9157A>T, p.Lys3053Ter (NM_001351834.2); c.640+20426T>A (NM_001330368.2); c.694+20426T>A (NM_001351110.2); short protein forms K3053*.
Identifiers: ClinVar variation 556258 (VCV000556258.10), dbSNP rs1555152104, ClinGen allele CA382532167.
Genomic context (GRCh38, chr11:108,365,494, plus strand): 5'-AATTTGCTCATACAGCAGGCCATAGACCCCAAAAATCTCAGCCGACTTTTCCCAGGATGG[A>T]AAGCTTGGGTGTGATCTTCAGTATATGAATTACCCTTTCATTCAGCCTTTAGAAATTATA-3'